The following is an entry in ClinVar:

ClinVar aggregate classification (germline): Uncertain significance (1 of 4 stars; one submission).

Allele frequency attached by ClinVar (database versions not stated): gnomAD exomes below 0.00001 and 0.00001.
gnomAD v4.1: 1 of 1,547,408 alleles (0.000065%); highest among the groups gnomAD compares: Admixed American, 0.0019%; no homozygotes.

Submission:

Labcorp Genetics (formerly Invitae), Labcorp
Classification: Uncertain significance. Last evaluated: 2023-09-25. Review status: criteria provided, single submitter. Criteria: Invitae Variant Classification Sherloc (09022015). Collection method: clinical testing. Allele origin: germline.
Comment: This sequence change replaces serine, which is neutral and polar, with leucine, which is neutral and non-polar, at codon 205 of the DGKZ protein (p.Ser205Leu). The frequency data for this variant in the population databases is considered unreliable, as metrics indicate poor data quality at this position in the gnomAD database. This variant has not been reported in the literature in individuals affected with DGKZ-related conditions. ClinVar contains an entry for this variant (Variation ID: 1469478). An algorithm developed to predict the effect of missense changes on protein structure and function (PolyPhen-2) suggests that this variant is likely to be tolerated. In summary, the available evidence is currently insufficient to determine the role of this variant in disease. Therefore, it has been classified as a Variant of Uncertain Significance.

NM_001199267.2(DGKZ):c.162-421C>T

Gene: DGKZ (diacylglycerol kinase zeta; plus strand). Cytogenetic location: 11p11.2.
Variant type: single nucleotide variant.
Coding change: c.162-421C>T on transcript NM_001199267.2 (MANE Select); 421 bases into the intron before coding-DNA position 162, C replaced by T.
Molecular consequence: intron variant. On other transcripts: missense variant (1).
Genome position (GRCh38, 1-based): chr11:46,366,870, C>T. VCF-style: chr11-46366870-C-T. GRCh37 (hg19) VCF-style: chr11-46388420-C-T.
Other names: c.614C>T, p.Ser205Leu (NM_001105540.2); c.213-421C>T (NM_201532.3); c.177-421C>T (NM_201533.3); c.162-421C>T (NM_001199266.2, NM_003646.4, NM_001199268.2); short protein forms S205L.
Identifiers: ClinVar variation 1469478 (VCV001469478.8), dbSNP rs1182282670, ClinGen allele CA380212140.